The following is an entry in ClinVar:

ClinVar aggregate classification (germline): Pathogenic (1 of 4 stars; one submission).

Conditions:
Neurofibromatosis, type 1 (NF1). Also called: VON RECKLINGHAUSEN DISEASE; Neurofibromatosis, type I; NEUROFIBROMATOSIS, TYPE I, SOMATIC; Peripheral type neurofibromatosis. Identifiers: Orphanet 636, MedGen C0027831, MONDO:0018975, OMIM 162200. Disease mechanism: loss of function.

Submission:

MVZ Medizinische Genetik Mainz
Classification: Pathogenic for Neurofibromatosis, type 1. Last evaluated: 2024-04-30. Review status: criteria provided, single submitter. Criteria: UK Practice Guidelines For Variant Classification V4 01 2020. Collection method: clinical testing. Allele origin: germline. Inheritance: Autosomal dominant inheritance. Affected: yes. Observed: 1 variant allele.
Comment: ACMG Criteria: PVS1,PM2_SUP,PP4

NM_001042492.3(NF1):c.3755del (p.Leu1252fs)

Gene: NF1 (neurofibromin 1; plus strand). Cytogenetic location: 17q11.2.
Variant type: Deletion.
Coding change: c.3755del on transcript NM_001042492.3 (MANE Select); coding-DNA position 3755, one base deleted (T; older notation c.3755delT).
Protein change: p.Leu1252fs; shifts the reading frame from leucine 1252.
Molecular consequence: frameshift variant.
Genome position (GRCh38, 1-based): chr17:31,235,657, T deleted; the last of 3 consecutive T bases (chr17:31,235,655-31,235,657); deleting any one gives the same sequence. VCF-style (leftmost placement, unchanged base first): chr17-31235654-AT-A. GRCh37 (hg19) VCF-style: chr17-29562672-AT-A.
Other names: c.3755delT, p.Leu1252Tyrfs (NM_000267.4); short protein forms L1252fs.
Identifiers: ClinVar variation 3256685 (VCV003256685.1).